The following is an entry in ClinVar:

NM_000179.3(MSH6):c.3293G>C (p.Cys1098Ser)

Gene: MSH6 (mutS homolog 6; plus strand). Cytogenetic location: 2p16.3.
Variant type: single nucleotide variant.
Coding change: c.3293G>C on transcript NM_000179.3 (MANE Select); coding-DNA position 3293, G replaced by C.
Protein change: p.Cys1098Ser; replaces cysteine 1098 with serine.
Molecular consequence: missense variant.
Genome position (GRCh38, 1-based): chr2:47,803,540, G>C. VCF-style: chr2-47803540-G-C. GRCh37 (hg19) VCF-style: chr2-48030679-G-C.
Other names: c.2903G>C, p.Cys968Ser (NM_001281492.2); c.2387G>C, p.Cys796Ser (NM_001281493.2, NM_001281494.2); short protein forms C796S, C1098S, C968S.
Identifiers: ClinVar variation 863899 (VCV000863899.13), dbSNP rs876660564, ClinGen allele CA346758448.

ClinVar aggregate classification (germline): Uncertain significance. Review status: criteria provided, multiple submitters, no conflicts (2 of 4 stars). 3 submissions from 3 submitters: Uncertain significance (3). Last evaluated 2024-07-24.

Conditions:
Hereditary nonpolyposis colorectal neoplasms. Identifiers: MedGen C0009405, MeSH D003123.
Hereditary cancer-predisposing syndrome. Also called: Hereditary Cancer Syndrome; Tumor predisposition; Neoplastic Syndromes, Hereditary; Hereditary neoplastic syndrome. Identifiers: Orphanet 140162, MedGen C0027672, MeSH D009386, MONDO:0015356.
Lynch syndrome. Identifiers: Orphanet 144, MedGen C4552100, MONDO:0005835. Disease mechanism: loss of function.

Submissions (3):

Labcorp Genetics (formerly Invitae), Labcorp
Classification: Uncertain significance for Hereditary nonpolyposis colorectal neoplasms. Last evaluated: 2024-07-24. Review status: criteria provided, single submitter. Criteria: Invitae Variant Classification Sherloc (09022015). Collection method: clinical testing. Allele origin: germline.
Comment: This sequence change replaces cysteine, which is neutral and slightly polar, with serine, which is neutral and polar, at codon 1098 of the MSH6 protein (p.Cys1098Ser). This variant is not present in population databases (gnomAD no frequency). This variant has not been reported in the literature in individuals affected with MSH6-related conditions. ClinVar contains an entry for this variant (Variation ID: 863899). Advanced modeling of protein sequence and biophysical properties (such as structural, functional, and spatial information, amino acid conservation, physicochemical variation, residue mobility, and thermodynamic stability) has been performed at Invitae for this missense variant, however the output from this modeling did not meet the statistical confidence thresholds required to predict the impact of this variant on MSH6 protein function. In summary, the available evidence is currently insufficient to determine the role of this variant in disease. Therefore, it has been classified as a Variant of Uncertain Significance.

All of Us Research Program, National Institutes of Health
Classification: Uncertain significance for Lynch syndrome. Last evaluated: 2023-10-23. Review status: criteria provided, single submitter. Criteria: ACMG Guidelines, 2015. Collection method: clinical testing. Allele origin: germline. Inheritance: Autosomal dominant inheritance. Observed: 1 variant allele, 1 heterozygote.
Comment: This missense variant replaces cysteine with serine at codon 1098 of the MSH6 protein. Computational prediction suggests that this variant may have deleterious impact on protein structure and function (internally defined REVEL score threshold >= 0.7, PMID: 27666373). To our knowledge, functional studies have not been reported for this variant. This variant has not been reported in individuals affected with MSH6-related disorders in the literature. This variant has not been identified in the general population by the Genome Aggregation Database (gnomAD). The available evidence is insufficient to determine the role of this variant in disease conclusively. Therefore, this variant is classified as a Variant of Uncertain Significance.

This study involves interpretation of variants in research participants for the purpose of population health screening. Participant phenotype was not available at the time of variant classification. Additional details can be found in publication PMID: 35346344, PMCID: PMC8962531

Ambry Genetics
Classification: Uncertain significance for Hereditary cancer-predisposing syndrome. Last evaluated: 2019-10-04. Review status: criteria provided, single submitter. Criteria: Ambry Variant Classification Scheme 2023. Collection method: clinical testing. Allele origin: germline.
Comment: The p.C1098S variant (also known as c.3293G>C), located in coding exon 5 of the MSH6 gene, results from a G to C substitution at nucleotide position 3293. The cysteine at codon 1098 is replaced by serine, an amino acid with dissimilar properties. This amino acid position is highly conserved in available vertebrate species. In addition, this alteration is predicted to be deleterious by in silico analysis. Since supporting evidence is limited at this time, the clinical significance of this alteration remains unclear.